The following is an entry in ClinVar:

NM_001330078.2(NRXN1):c.4411T>G (p.Tyr1471Asp)

Gene: NRXN1 (neurexin 1; minus strand). Cytogenetic location: 2p16.3.
Variant type: single nucleotide variant.
Coding change: c.4411T>G on transcript NM_001330078.2 (MANE Select); coding-DNA position 4411, T replaced by G.
Protein change: p.Tyr1471Asp; replaces tyrosine 1471 with aspartic acid.
Molecular consequence: missense variant.
Genome position (GRCh38, 1-based): chr2:49,922,057, A>C on the plus strand (T>G on the coding strand, the complement: NRXN1 is on the minus strand). VCF-style: chr2-49922057-A-C. GRCh37 (hg19) VCF-style: chr2-50149195-A-C.
Other names: c.4384T>G, p.Tyr1462Asp (NM_001330085.2); c.4402T>G, p.Tyr1468Asp (NM_001330086.2); c.4210T>G, p.Tyr1404Asp (NM_001330087.2); c.4231T>G, p.Tyr1411Asp (NM_001330088.2); c.1297T>G, p.Tyr433Asp (NM_001330091.2); c.1306T>G, p.Tyr436Asp (NM_001330092.2); c.4408T>G, p.Tyr1470Asp (NM_001330093.2); c.4390T>G, p.Tyr1464Asp (NM_001330094.2); and 12 more; short protein forms Y106D, Y1424D, Y1463D, Y1464D, Y1470D, Y103D, Y1416D, Y1441D.
Identifiers: ClinVar variation 1508991 (VCV001508991.6), dbSNP rs1255941278, ClinGen allele CA346818410.

ClinVar aggregate classification (germline): Uncertain significance (1 of 4 stars; one submission).

Conditions:
Pitt-Hopkins-like syndrome 2 (PTHSL2). Identifiers: Orphanet 221150, Orphanet 600663, MedGen C3280479, MONDO:0013690, OMIM 614325.

Submission:

Labcorp Genetics (formerly Invitae), Labcorp
Classification: Uncertain significance for Pitt-Hopkins-like syndrome 2. Last evaluated: 2021-10-03. Review status: criteria provided, single submitter. Criteria: Invitae Variant Classification Sherloc (09022015). Collection method: clinical testing. Allele origin: germline.
Comment: In summary, the available evidence is currently insufficient to determine the role of this variant in disease. Therefore, it has been classified as a Variant of Uncertain Significance. Algorithms developed to predict the effect of missense changes on protein structure and function are either unavailable or do not agree on the potential impact of this missense change (SIFT: "Tolerated"; PolyPhen-2: "Possibly Damaging"; Align-GVGD: "Class C0"). This sequence change replaces tyrosine with aspartic acid at codon 1511 of the NRXN1 protein (p.Tyr1511Asp). The tyrosine residue is highly conserved and there is a large physicochemical difference between tyrosine and aspartic acid. This variant is not present in population databases (ExAC no frequency). This variant has not been reported in the literature in individuals affected with NRXN1-related conditions.